The following is an entry in ClinVar:

NM_000088.4(COL1A1):c.700G>T (p.Glu234Ter)

Genes: COL1A1 (collagen type I alpha 1 chain; minus strand), LOC126862586 (CDK7 strongly-dependent group 2 enhancer GRCh37_chr17:48273702-48274901; plus strand). Cytogenetic location: 17q21.33.
Variant type: single nucleotide variant.
Coding change: c.700G>T on transcript NM_000088.4 (MANE Select); coding-DNA position 700, G replaced by T.
Protein change: p.Glu234Ter; replaces glutamic acid 234 with a stop codon.
Molecular consequence: nonsense.
Genome position (GRCh38, 1-based): chr17:50,197,230, C>A on the plus strand (G>T on the coding strand, the complement: COL1A1 is on the minus strand). VCF-style: chr17-50197230-C-A. GRCh37 (hg19) VCF-style: chr17-48274591-C-A.
Other names: short protein forms E234*.
Identifiers: ClinVar variation 2743871 (VCV002743871.3), dbSNP rs1907674328, ClinGen allele CA400224329.
Genomic context (GRCh38, chr17:50,197,230, plus strand): 5'-CCCTGCTCACCTGAGGCCCAGGAGGCCCACGCTCACCAGGACGACCAGGTTTTCCAGCTT[C>A]CCCCTGAGAGGGAGAGAAAAGACCATCATGCCTCTGCCTCCCCACCACCGCCTAGGGGCT-3'

ClinVar aggregate classification (germline): Pathogenic. Review status: criteria provided, multiple submitters, no conflicts (2 of 4 stars). 2 submissions from 2 submitters: Pathogenic (2). Last evaluated 2024-06-10.

Conditions:
Osteogenesis imperfecta, perinatal lethal (OI2). Also called: Osteogenesis imperfecta, dominant perinatal lethal; OSTEOGENESIS IMPERFECTA, TYPE II; OI, TYPE II; OSTEOGENESIS IMPERFECTA CONGENITA; VROLIK TYPE OF OSTEOGENESIS IMPERFECTA; Osteogenesis imperfecta type 2. Identifiers: Orphanet 216804, MedGen C0268358, MONDO:0008147, OMIM 166210.
Osteogenesis imperfecta type I (OI1). Also called: Lobstein's Disease; Lobstein disease; OI, TYPE I; OSTEOGENESIS IMPERFECTA TARDA; OSTEOGENESIS IMPERFECTA WITH BLUE SCLERAE; Osteogenesis imperfecta type 1. Identifiers: Orphanet 216796, Orphanet 666, MedGen C0023931, MONDO:0008146, OMIM 166200. Disease mechanism: loss of function.

Submissions (2):

Labcorp Genetics (formerly Invitae), Labcorp
Classification: Pathogenic for Osteogenesis imperfecta type I. Last evaluated: 2024-06-10. Review status: criteria provided, single submitter. Criteria: Invitae Variant Classification Sherloc (09022015). Collection method: clinical testing. Allele origin: germline.
Comment: This sequence change creates a premature translational stop signal (p.Glu234*) in the COL1A1 gene. It is expected to result in an absent or disrupted protein product. Loss-of-function variants in COL1A1 are known to be pathogenic (PMID: 7942841, 9295084, 9443882). This variant is not present in population databases (gnomAD no frequency). This variant has not been reported in the literature in individuals affected with COL1A1-related conditions. For these reasons, this variant has been classified as Pathogenic.

Medical Genetics Laboratory, Niloo Shiraz Laboratory
Classification: Pathogenic for Osteogenesis imperfecta, perinatal lethal. Review status: criteria provided, single submitter. Criteria: ACMG Guidelines, 2015. Collection method: clinical testing. Allele origin: germline. Inheritance: Autosomal dominant inheritance. Affected: yes.
Comment: We identified a stop-gain mutation in the COL1A1 gene in a family. This mutation is not present in our local population database (Niloo Genome) or in gnomAD. The family includes an affected father, two affected sons, one affected sister, and a granddaughter with the same phenotype. This leads to reduced or absent production of type I collagen, consistent with haploinsufficiency, which is the known disease mechanism in disorders such as osteogenesis imperfecta associated with COL1A1 mutations.

Literature cited by the submitters: PubMed 7942841 (cited by Labcorp Genetics (formerly Invitae), Labcorp); PubMed 9295084 (cited by Labcorp Genetics (formerly Invitae), Labcorp); PubMed 9443882 (cited by Labcorp Genetics (formerly Invitae), Labcorp).